The following is an entry in ClinVar:

ClinVar aggregate classification (germline): Uncertain significance (1 of 4 stars; one submission).

Conditions:
Developmental and epileptic encephalopathy, 14 (DEE14). Also called: Early infantile epileptic encephalopathy 14. Identifiers: Orphanet 293181, MedGen C3554195, MONDO:0013989, OMIM 614959.
Autosomal dominant nocturnal frontal lobe epilepsy 5. Also called: KCNT1-Related Epilepsy; Epilepsy, nocturnal frontal lobe, 5; CILIARY DYSKINESIA, PRIMARY, 28, WITHOUT SITUS INVERSUS; CILIARY DYSKINESIA, PRIMARY, 28, WITH SITUS INVERSUS. Identifiers: Orphanet 98784, MedGen C3554306, MONDO:0014002, OMIM 615005.

Allele frequency attached by ClinVar (database versions not stated): gnomAD exomes below 0.00001.
gnomAD v4.1: 1 of 1,612,270 alleles (0.000062%); highest among the groups gnomAD compares: Non-Finnish European, 0.000085%; no homozygotes.

Submission:

Labcorp Genetics (formerly Invitae), Labcorp
Classification: Uncertain significance for Autosomal dominant nocturnal frontal lobe epilepsy 5; Developmental and epileptic encephalopathy, 14. Last evaluated: 2025-03-03. Review status: criteria provided, single submitter. Criteria: Invitae Variant Classification Sherloc (09022015). Collection method: clinical testing. Allele origin: germline.
Comment: This sequence change replaces glycine, which is neutral and non-polar, with serine, which is neutral and polar, at codon 656 of the KCNT1 protein (p.Gly656Ser). This variant is not present in population databases (gnomAD no frequency). This variant has not been reported in the literature in individuals affected with KCNT1-related conditions. ClinVar contains an entry for this variant (Variation ID: 1521452). Invitae Evidence Modeling of protein sequence and biophysical properties (such as structural, functional, and spatial information, amino acid conservation, physicochemical variation, residue mobility, and thermodynamic stability) indicates that this missense variant is not expected to disrupt KCNT1 protein function with a negative predictive value of 80%. In summary, the available evidence is currently insufficient to determine the role of this variant in disease. Therefore, it has been classified as a Variant of Uncertain Significance.

NM_020822.3(KCNT1):c.1966G>A (p.Gly656Ser)

Gene: KCNT1 (potassium sodium-activated channel subfamily T member 1; plus strand). Cytogenetic location: 9q34.3.
Variant type: single nucleotide variant.
Coding change: c.1966G>A on transcript NM_020822.3 (MANE Select); coding-DNA position 1966, G replaced by A.
Protein change: p.Gly656Ser; replaces glycine 656 with serine.
Molecular consequence: missense variant.
Genome position (GRCh38, 1-based): chr9:135,771,053, G>A. VCF-style: chr9-135771053-G-A. GRCh37 (hg19) VCF-style: chr9-138662899-G-A.
Other names: c.1831G>A, p.Gly611Ser (NM_001272003.2); short protein forms G611S, G656S.
Identifiers: ClinVar variation 1521452 (VCV001521452.6), dbSNP rs1832721615, ClinGen allele CA375508732.
Genomic context (GRCh38, chr9:135,771,053, plus strand): 5'-ATCTTCAAGCAGGAGGAGAAGCGGAAGAAGAGGGCCTTCTCGGGGCAGGGGCTGCACGAG[G>A]GTCCGGCCCGCCTGCCCGTGCACAGCATCATCGCCTCCATGGGTGAGCCGGGACAGGCGC-3'
Protein context (NP_065873.2, residues 646-666): RAFSGQGLHE[Gly656Ser]PARLPVHSII